The following is an entry in ClinVar:

ClinVar aggregate classification (germline): Uncertain significance (1 of 4 stars; one submission).

Conditions:
Infantile-onset ascending hereditary spastic paralysis (IAHSP). Also called: Infantile-Onset Ascending Hereditary Spastic Paralysis (IAHSP); Autosomal Recessive Juvenile Amyotrophic Lateral Sclerosis. Identifiers: Orphanet 293168, MedGen C2931441, MONDO:0011797, OMIM 607225. Disease mechanism: loss of function.

Allele frequency attached by ClinVar (database versions not stated): TOPMed below 0.00001; gnomAD exomes 0.00001; gnomAD 0.00002.
gnomAD v4.1: 11 of 1,551,544 alleles (0.00071%); highest among the groups gnomAD compares: East Asian, 0.0024%; no homozygotes.

Submission:

Labcorp Genetics (formerly Invitae), Labcorp
Classification: Uncertain significance for Infantile-onset ascending hereditary spastic paralysis. Last evaluated: 2021-09-07. Review status: criteria provided, single submitter. Criteria: Invitae Variant Classification Sherloc (09022015). Collection method: clinical testing. Allele origin: germline.
Comment: This sequence change replaces threonine with methionine at codon 950 of the ALS2 protein (p.Thr950Met). The threonine residue is highly conserved and there is a moderate physicochemical difference between threonine and methionine. This variant is not present in population databases (ExAC no frequency). This variant has not been reported in the literature in individuals affected with ALS2-related conditions. Algorithms developed to predict the effect of missense changes on protein structure and function are either unavailable or do not agree on the potential impact of this missense change (SIFT: "Deleterious"; PolyPhen-2: "Possibly Damaging"; Align-GVGD: "Class C0"). In summary, the available evidence is currently insufficient to determine the role of this variant in disease. Therefore, it has been classified as a Variant of Uncertain Significance.

NM_020919.4(ALS2):c.2849C>T (p.Thr950Met)

Gene: ALS2 (alsin Rho guanine nucleotide exchange factor ALS2; minus strand). Cytogenetic location: 2q33.1.
Variant type: single nucleotide variant.
Coding change: c.2849C>T on transcript NM_020919.4 (MANE Select); coding-DNA position 2849, C replaced by T.
Protein change: p.Thr950Met; replaces threonine 950 with methionine.
Molecular consequence: missense variant.
Genome position (GRCh38, 1-based): chr2:201,727,768, G>A on the plus strand (C>T on the coding strand, the complement: ALS2 is on the minus strand). VCF-style: chr2-201727768-G-A. GRCh37 (hg19) VCF-style: chr2-202592491-G-A.
Other names: short protein forms T950M.
Identifiers: ClinVar variation 946059 (VCV000946059.5), dbSNP rs998799740, ClinGen allele CA63941437.
Genomic context (GRCh38, chr2:201,727,768, plus strand): 5'-CCACCAGCTTCTTCAGACAGTGGCTCTGCCCACAGCGTGGCCAGAGGGAAAACATGGTGC[G>A]TGGAGAACTGAAACAGAGAACACGGAGGCACTTTTATGAAAGCCCATGTAGACCTCGGGG-3'
Protein context (NP_065970.2, residues 940-960): NDALVHAQFS[Thr950Met]HHVFPLATLW